The following is an entry in ClinVar:

NM_004446.3(EPRS1):c.4166del (p.Lys1389fs)

Gene: EPRS1 (glutamyl-prolyl-tRNA synthetase 1; minus strand). Cytogenetic location: 1q41.
Variant type: Deletion.
Coding change: c.4166del on transcript NM_004446.3 (MANE Select); coding-DNA position 4166, one base deleted (A; older notation c.4166delA).
Protein change: p.Lys1389fs; shifts the reading frame from lysine 1389.
Molecular consequence: frameshift variant.
Genome position (GRCh38, 1-based): chr1:219,973,316, T deleted on the plus strand (A on the coding strand, the reverse complement: EPRS1 is on the minus strand); the first of 4 consecutive T bases (chr1:219,973,316-219,973,319); deleting any one gives the same sequence. VCF-style (leftmost placement, unchanged base first): chr1-219973315-CT-C. GRCh37 (hg19) VCF-style: chr1-220146657-CT-C.
Other names: short protein forms K1389fs.
Identifiers: ClinVar variation 5006112 (VCV005006112.2).

ClinVar aggregate classification (germline): Likely pathogenic (1 of 4 stars; one submission).

Conditions:
Leukodystrophy, hypomyelinating, 15. Identifiers: MedGen C4693733, MONDO:0054782, OMIM 617951.

Submission:

Juno Genomics, Hangzhou Juno Genomics, Inc
Classification: Likely pathogenic for Leukodystrophy, hypomyelinating, 15. Review status: criteria provided, single submitter. Criteria: ACMG Guidelines, 2015. Collection method: clinical testing. Allele origin: germline.
Comment: Null variant in a gene where loss of function (LOF) is a known mechanism of disease.;Absent from controls (or at extremely low frequency if recessive) in Genome Aggregation Database.